The following is an entry in ClinVar:

NM_016203.4(PRKAG2):c.1294A>G (p.Thr432Ala)

Gene: PRKAG2 (protein kinase AMP-activated non-catalytic subunit gamma 2; minus strand). Cytogenetic location: 7q36.1.
Variant type: single nucleotide variant.
Coding change: c.1294A>G on transcript NM_016203.4 (MANE Select); coding-DNA position 1294, A replaced by G.
Protein change: p.Thr432Ala; replaces threonine 432 with alanine.
Molecular consequence: missense variant.
Genome position (GRCh38, 1-based): chr7:151,565,825, T>C on the plus strand (A>G on the coding strand, the complement: PRKAG2 is on the minus strand). VCF-style: chr7-151565825-T-C. GRCh37 (hg19) VCF-style: chr7-151262911-T-C.
Other names: c.1162A>G, p.Thr388Ala (NM_001040633.2); c.919A>G, p.Thr307Ala (NM_001304527.2); c.571A>G, p.Thr191Ala (NM_001304531.2, NM_024429.2); c.922A>G, p.Thr308Ala (NM_001363698.2); short protein forms T307A, T308A, T388A, T191A, T432A.
Identifiers: ClinVar variation 1376620 (VCV001376620.8), dbSNP rs2150996293, ClinGen allele CA370071085.

ClinVar aggregate classification (germline): Uncertain significance. Review status: criteria provided, multiple submitters, no conflicts (2 of 4 stars). 2 submissions from 2 submitters: Uncertain significance (2). Last evaluated 2024-10-07.

Conditions:
Lethal congenital glycogen storage disease of heart. Also called: PHOSPHORYLASE KINASE DEFICIENCY OF HEART; GLYCOGEN STORAGE DISEASE OF HEART. Identifiers: Orphanet 439854, MedGen C1849813, MONDO:0009867, OMIM 261740.
Hypertrophic cardiomyopathy. Also called: HYPERTROPHIC MYOCARDIOPATHY. Identifiers: Orphanet 217569, MedGen C0007194, MeSH D002312, MONDO:0005045, HP:0001639.

gnomAD v4.1: 1 of 1,612,822 alleles (0.000062%); highest among the groups gnomAD compares: Non-Finnish European, 0.000085%; no homozygotes.

Submissions (2):

Labcorp Genetics (formerly Invitae), Labcorp
Classification: Uncertain significance for Lethal congenital glycogen storage disease of heart. Last evaluated: 2024-10-07. Review status: criteria provided, single submitter. Criteria: Invitae Variant Classification Sherloc (09022015). Collection method: clinical testing. Allele origin: germline.
Comment: This sequence change replaces threonine, which is neutral and polar, with alanine, which is neutral and non-polar, at codon 432 of the PRKAG2 protein (p.Thr432Ala). This variant is not present in population databases (gnomAD no frequency). This variant has not been reported in the literature in individuals affected with PRKAG2-related conditions. ClinVar contains an entry for this variant (Variation ID: 1376620). Invitae Evidence Modeling of protein sequence and biophysical properties (such as structural, functional, and spatial information, amino acid conservation, physicochemical variation, residue mobility, and thermodynamic stability) has been performed for this missense variant. However, the output from this modeling did not meet the statistical confidence thresholds required to predict the impact of this variant on PRKAG2 protein function. In summary, the available evidence is currently insufficient to determine the role of this variant in disease. Therefore, it has been classified as a Variant of Uncertain Significance.

All of Us Research Program, National Institutes of Health
Classification: Uncertain significance for Hypertrophic cardiomyopathy. Last evaluated: 2024-07-10. Review status: criteria provided, single submitter. Criteria: ACMG Guidelines, 2015. Collection method: clinical testing. Allele origin: germline. Inheritance: Autosomal dominant inheritance. Observed: 3 variant alleles, 3 heterozygotes.
Comment: This missense variant replaces threonine with alanine at codon 432 of the PRKAG2 protein. Computational prediction is inconclusive regarding the impact of this variant on protein structure and function (internally defined REVEL score threshold 0.5 < inconclusive < 0.7, PMID: 27666373). To our knowledge, functional studies have not been reported for this variant. This variant has not been reported in individuals affected with cardiovascular disorders in the literature. This variant has not been identified in the general population by the Genome Aggregation Database (gnomAD). The available evidence is insufficient to determine the role of this variant in disease conclusively. Therefore, this variant is classified as a Variant of Uncertain Significance.

This study involves interpretation of variants in research participants for the purpose of population health screening. Participant phenotype was not available at the time of variant classification. Additional details can be found in publication PMID: 35346344, PMCID: PMC8962531